The following is an entry in ClinVar:

NM_000037.4(ANK1):c.975_976delinsTT (p.Leu325_Gln326delinsPheTer)

Gene: ANK1 (ankyrin 1; minus strand). Cytogenetic location: 8p11.21.
Variant type: Indel.
Coding change: c.975_976delinsTT on transcript NM_000037.4 (MANE Select); coding-DNA positions 975 to 976, GC replaced by TT.
Protein change: p.Leu325_Gln326delinsPheTer.
Molecular consequence: nonsense.
Genome position (GRCh38, 1-based): chr8:41,719,792-41,719,793, GC replaced by AA on the plus strand (GC replaced by TT on the coding strand, the reverse complement: ANK1 is on the minus strand). VCF-style: chr8-41719792-GC-AA. GRCh37 (hg19) VCF-style: chr8-41577310-GC-AA.
Other names: c.1074_1075delinsTT, p.Leu358_Gln359delinsPheTer (NM_001142446.2); c.975_976delinsTT, p.Leu325_Gln326delinsPheTer (NM_020475.3, NM_020476.3, NM_020477.3).
Identifiers: ClinVar variation 3766676 (VCV003766676.1).

ClinVar aggregate classification (germline): Pathogenic (1 of 4 stars; one submission).

Conditions:
Hereditary spherocytosis type 1. Also called: Spherocytosis type 1; ANK1-Related Spherocytosis. Identifiers: Orphanet 822, MedGen C2674218, MONDO:0008447, OMIM 182900.

Submission:

ARUP Laboratories, Molecular Genetics and Genomics, ARUP Laboratories
Classification: Pathogenic for Hereditary spherocytosis type 1. Last evaluated: 2024-06-21. Review status: criteria provided, single submitter. Criteria: ARUP Molecular Germline Variant Investigation Process 2024. Collection method: clinical testing. Allele origin: germline.
Comment: The ANK1 c.975_976delinsTT; p.Leu325_Gln326delinsPheTer variant, to our knowledge, is not reported in the medical literature or gene specific databases. This variant is also absent from the Genome Aggregation Database (v2.1.1), indicating it is not a common polymorphism. This variant causes a frameshift by substituting two adjacent nucleotides, so it is predicted to result in a truncated protein or mRNA subject to nonsense-mediated decay. Based on available information, this variant is considered to be pathogenic.